The following continues an entry in ClinVar:

NM_007294.4(BRCA1):c.1648A>C (p.Asn550His)

Gene: BRCA1. ClinVar aggregate classification (germline): Benign. Benign (1).

Submissions 16 to 36 of 41:

Women's Health and Genetics/Laboratory Corporation of America, LabCorp
Classification: Benign. Last evaluated: 2020-01-28. Review status: criteria provided, single submitter. Criteria: LabCorp Variant Classification Summary - May 2015. Collection method: clinical testing. Allele origin: germline. Not counted in ClinVar's aggregate classification.
Comment: Variant summary: BRCA1 c.1648A>C (p.Asn550His) results in a conservative amino acid change in the encoded protein sequence. Three of five in-silico tools predict a damaging effect of the variant on protein function. The variant allele was found at a frequency of 0.00026 in 282970 control chromosomes (gnomAD and publications). This frequency is not significantly higher than expected for a pathogenic variant in BRCA1 causing Hereditary Breast and Ovarian Cancer (0.00026 vs 0.001), allowing no conclusion about variant significance. c.1648A>C has been reported in the literature in individuals affected with breast cancer and/or ovarian cancer (Adem_2002, Guidugli_2011, Jalkh_2005, Augello_2006, Spurdle_2008, Solano_2013, Mahfoudh_2012, Wong-Brown_2015, Biunno_2014, Maresca_2018). These reports do not provide unequivocal conclusions about association of the variant with Hereditary Breast and Ovarian Cancer. Co-occurrences with other pathogenic variants have been reported in our lab and other databases (BRCA1 c.5080G>T, p.Glu1694X; BRCA2 c.6082_6086delGAAGA, p.Glu2028LysfsX19; BRCA1 c.962G>A, p.Trp321Ter ; BRCA1 c.3544C>T, p.Gln1182Ter ; BRCA2 c.5682C>G, p.Tyr1894Ter ; BRCA2 c.2808_2811delACAA, p.Ala938fsX21), providing supporting evidence for a benign role. At least two publication reports experimental evidence evaluating an impact on protein function. These results showed no damaging effect of this variant (Guidugli_2011, Maresca_2018). 13 ClinVar submitters (evaluation after 2014) cite the variant as uncertain significance (3x), likely benign (7x) and benign (3x), including one expert panel (ENIGMA, benign). Based on the evidence outlined above, the variant was classified as benign.

Mendelics
Classification: Likely benign for Breast-ovarian cancer, familial, susceptibility to, 1. Last evaluated: 2019-05-28. Review status: criteria provided, single submitter. Criteria: Mendelics Assertion Criteria 2017. Collection method: clinical testing. Allele origin: unknown. Not counted in ClinVar's aggregate classification.

Illumina Laboratory Services, Illumina
Classification: Benign for Breast-ovarian cancer, familial, susceptibility to, 1. Last evaluated: 2018-11-19. Review status: criteria provided, single submitter. Criteria: ICSL Variant Classification Criteria 13 December 2019. Collection method: clinical testing. Allele origin: germline. Not counted in ClinVar's aggregate classification.
Comment: This variant was observed as part of a predisposition screen in an ostensibly healthy population. A literature search was performed for the gene, cDNA change, and amino acid change (where applicable). Publications were found based on this search. The evidence from the literature, in combination with allele frequency data from public databases where available, was sufficient to rule this variant out of causing disease. Therefore, this variant is classified as benign.

PreventionGenetics, part of Exact Sciences
Classification: Likely benign. Last evaluated: 2017-05-16. Review status: criteria provided, single submitter. Criteria: ACMG Guidelines, 2015. Collection method: clinical testing. Allele origin: germline. Not counted in ClinVar's aggregate classification.

Molecular Genetics Laboratory, University of Michigan
Classification: Benign for Breast-ovarian cancer, familial, susceptibility to, 1. Last evaluated: 2016-04-21. Review status: criteria provided, single submitter. Criteria: ACMG Guidelines, 2015. Collection method: clinical testing. Allele origin: germline. Affected: yes. Not counted in ClinVar's aggregate classification.

Fulgent Genetics
Classification: Likely benign for Breast-ovarian cancer, familial, susceptibility to, 1. Last evaluated: 2015-09-01. Review status: criteria provided, single submitter. Criteria: ACMG Guidelines, 2015. Collection method: clinical testing. Allele origin: unknown. Inheritance: Autosomal dominant inheritance. Not counted in ClinVar's aggregate classification.

Eurofins Ntd Llc (ga)
Classification: Likely benign. Last evaluated: 2015-08-04. Review status: criteria provided, single submitter. Criteria: EGL Classification Definitions 2015. Collection method: clinical testing. Allele origin: germline. Observed: 1 variant allele, 1 heterozygote. Not counted in ClinVar's aggregate classification.

Color Diagnostics, LLC DBA Color Health
Classification: Likely benign for Hereditary cancer-predisposing syndrome. Last evaluated: 2014-12-15. Review status: criteria provided, single submitter. Criteria: ACMG Guidelines, 2015. Collection method: clinical testing. Allele origin: germline. Not counted in ClinVar's aggregate classification.

Ambry Genetics
Classification: Benign for Hereditary cancer-predisposing syndrome. Last evaluated: 2014-11-18. Review status: criteria provided, single submitter. Criteria: Ambry Variant Classification Scheme 2023. Collection method: clinical testing. Allele origin: germline. Not counted in ClinVar's aggregate classification.

GeneDx
Classification: Benign. Last evaluated: 2014-01-22. Review status: criteria provided, single submitter. Criteria: GeneDx Variant Classification (06012015). Collection method: clinical testing. Allele origin: germline. Affected: yes. Not counted in ClinVar's aggregate classification.
Comment: This variant is considered likely benign or benign based on one or more of the following criteria: it is a conservative change, it occurs at a poorly conserved position in the protein, it is predicted to be benign by multiple in silico algorithms, and/or has population frequency not consistent with disease.

Breakthrough Genomics
Classification: Benign. Review status: criteria provided, single submitter. Criteria: ACMG Guidelines, 2015. Collection method: not provided. Allele origin: germline. Inheritance: Autosomal recessive inheritance. Affected: yes. Not counted in ClinVar's aggregate classification.

Institute for Biomarker Research, Medical Diagnostic Laboratories, L.L.C.
Classification: Likely benign for Hereditary breast ovarian cancer syndrome. Last evaluated: 2022-04-07. Review status: no assertion criteria provided. Collection method: clinical testing. Allele origin: germline. Not counted in ClinVar's aggregate classification.

True Health Diagnostics
Classification: Likely benign for Hereditary cancer-predisposing syndrome. Last evaluated: 2018-04-05. Review status: no assertion criteria provided. Collection method: clinical testing. Allele origin: germline. Not counted in ClinVar's aggregate classification.

Mayo Clinic Laboratories, Mayo Clinic
Classification: Likely benign. Last evaluated: 2017-08-02. Review status: no assertion criteria provided. Collection method: clinical testing. Allele origin: unknown. Not counted in ClinVar's aggregate classification.

CSER _CC_NCGL, University of Washington
Classification: Likely benign for Breast cancer. Last evaluated: 2014-06-01. Review status: no assertion criteria provided. Collection method: research. Allele origin: germline. Inheritance: Autosomal dominant inheritance. Study: ESP 6500 variant annotation. Not counted in ClinVar's aggregate classification.
Comment: Variants classified for the Actionable exomic incidental findings in 6503 participants: challenges of variant classification manuscript

Counsyl
Classification: Likely benign for Breast-ovarian cancer, familial 1. Last evaluated: 2014-04-07. Review status: no assertion criteria provided. Collection method: literature only. Allele origin: unknown. Inheritance: Autosomal dominant inheritance. Not counted in ClinVar's aggregate classification.

Sharing Clinical Reports Project (SCRP)
Classification: Benign for Breast-ovarian cancer, familial 1. Last evaluated: 2012-05-01. Review status: no assertion criteria provided. Collection method: clinical testing. Allele origin: germline. Not counted in ClinVar's aggregate classification.

Clinical Genetics DNA and cytogenetics Diagnostics Lab, Erasmus MC, Erasmus Medical Center
Classification: Benign. Review status: no assertion criteria provided. Collection method: clinical testing. Allele origin: germline. Affected: yes. Study: VKGL Data-share Consensus. Not counted in ClinVar's aggregate classification.

Clinical Genetics Laboratory, Department of Pathology, Netherlands Cancer Institute
Classification: Benign. Review status: no assertion criteria provided. Collection method: clinical testing. Allele origin: germline. Affected: yes. Study: VKGL Data-share Consensus. Not counted in ClinVar's aggregate classification.

Department of Pathology and Laboratory Medicine, Sinai Health System
Classification: Benign for Malignant tumor of breast. Review status: no assertion criteria provided. Collection method: clinical testing. Allele origin: unknown. Affected: yes. Observed: 2 variant alleles. Study: The Canadian Open Genetics Repository (COGR). Not counted in ClinVar's aggregate classification.
Comment: The p.Asn550His variant has been identified in 8 of 1464 proband chromosomes (frequency 0.005) in individuals with breast or ovarian cancers (Augello 2006, Caligo 2008, El-Harith 2002 12070551, Jalkh 2012, Russo 2007, Solano 2012) and was absent in 200 control chromosomes from these studies. Myriad reports this variant as a polymorphism, and the Exome Server Project reports a frequency of 0.0003 in European American alleles, and 0.0002 in African American alleles. This variant has been also been reported in dbSNP (ID: rs56012641) â€šÃ„Ãºwith non-pathogenic alleleâ€šÃ„Ã¹, in the BIC database 54X as a variant of unknown clinical importance, and in UMD 19X as a neutral variant which co-occurred with a known pathogenic mutation, BRCA2 c.6082 6086delGAAGA (p.Glu2028LysfsX19), increasing the likelihood that the p.Asn550His variant does not have clinical significance. The p.Asn550 residue is not conserved in mammals and computational analyses (PolyPhen2, SIFT, AlignGVGD) provide inconsistent predictions regarding the impact to the protein. Functional assays on the p. Asn550His variant have suggested that it has a neutral effect on BRCA1 function in homologous repair (Caligo 2008) and non-homologous end-joining (Guidugli 2011). Many studies have identified the p.Asn550His variant co-occurring with two other BRCA1 variants, p.Tyr179Cys and p.Phe486Lys, in individuals with breast or ovarian cancers (Augello 2006, Caligo 2008, Diez 2003, Jalkh 2012), suggesting that together they constitute a rare haplotype (Tavtigian 2006). Furthermore, Augello (2006) identified these three mutations in three members of one family indicating that they exist in cis, and suggests that the presence of the three variants might produce an effect on the conformation of the protein and, consequently, on its function. In summary, based on the above information this variant meets our laboratory's criteria to be classified as benign.

Diagnostic Laboratory, Department of Genetics, University Medical Center Groningen
Classification: Benign for Breast-ovarian cancer, familial, susceptibility to, 1. Review status: no assertion criteria provided. Collection method: clinical testing. Allele origin: germline. Affected: yes. Study: VKGL Data-share Consensus. Not counted in ClinVar's aggregate classification.